The following is an entry in ClinVar:

ClinVar aggregate classification (germline): Uncertain significance. Review status: criteria provided, multiple submitters, no conflicts (2 of 4 stars). 2 submissions from 2 submitters: Uncertain significance (2). Last evaluated 2025-09-19.

Conditions:
Cardiovascular phenotype. Identifiers: MedGen CN230736.

Allele frequency attached by ClinVar (database versions not stated): TOPMed below 0.00001; ExAC 0.00003; gnomAD exomes 0.00001; gnomAD 0.00001.
gnomAD v4.1: 14 of 1,593,078 alleles (0.00088%); highest among the groups gnomAD compares: Admixed American, 0.012%; no homozygotes.

Submissions (2):

Mayo Clinic Laboratories, Mayo Clinic
Classification: Uncertain significance. Last evaluated: 2025-09-19. Review status: criteria provided, single submitter. Criteria: ACMG Guidelines, 2015. Collection method: clinical testing. Allele origin: germline. Observed: 1 variant allele.
Comment: BP4_moderate

Ambry Genetics
Classification: Uncertain significance for Cardiovascular phenotype. Last evaluated: 2025-07-03. Review status: criteria provided, single submitter. Criteria: Ambry Variant Classification Scheme 2023. Collection method: clinical testing. Allele origin: germline.

NM_001365276.2(TNXB):c.2840C>T (p.Thr947Met)

Gene: TNXB (tenascin XB; minus strand). Cytogenetic location: 6p21.33.
Variant type: single nucleotide variant.
Coding change: c.2840C>T on transcript NM_001365276.2 (MANE Select); coding-DNA position 2840, C replaced by T.
Protein change: p.Thr947Met; replaces threonine 947 with methionine.
Molecular consequence: missense variant.
Genome position (GRCh38, 1-based): chr6:32,086,058, G>A on the plus strand (C>T on the coding strand, the complement: TNXB is on the minus strand). VCF-style: chr6-32086058-G-A. GRCh37 (hg19) VCF-style: chr6-32053835-G-A.
Other names: p.Thr947Met; c.2840C>T, p.Thr947Met (NM_019105.8); short protein forms T947M.
Identifiers: ClinVar variation 1796715 (VCV001796715.4), dbSNP rs758324181, ClinGen allele CA3735310.